The following is an entry in ClinVar:

NM_000444.6(PHEX):c.1717G>C (p.Ala573Pro)

Genes: PHEX (phosphate regulating endopeptidase homolog X-linked; plus strand), PTCHD1-AS (PTCHD1 antisense RNA (head to head); minus strand). Cytogenetic location: Xp22.11.
Variant type: single nucleotide variant.
Coding change: c.1717G>C on transcript NM_000444.6 (MANE Select); coding-DNA position 1717, G replaced by C.
Protein change: p.Ala573Pro; replaces alanine 573 with proline.
Molecular consequence: missense variant.
Genome position (GRCh38, 1-based): chrX:22,219,052, G>C. VCF-style: chrX-22219052-G-C. GRCh37 (hg19) VCF-style: chrX-22237169-G-C.
Other names: c.1717G>C, p.Ala573Pro (NM_001282754.2); short protein forms A573P.
Identifiers: ClinVar variation 379848 (VCV000379848.2), dbSNP rs1057520756, ClinGen allele CA16609166.

ClinVar aggregate classification (germline): Pathogenic (1 of 4 stars; one submission).

Submission:

GeneDx
Classification: Pathogenic. Last evaluated: 2015-06-04. Review status: criteria provided, single submitter. Criteria: GeneDx Variant Classification (06012015). Collection method: clinical testing. Allele origin: germline. Affected: yes.
Comment: The A573P variant has not been published as a pathogenic variant, nor has it been reported as a benign polymorphismto our knowledge. The A573P substitution was not observed in approximately 6,500 individuals of European andAfrican American ancestry in the NHLBI Exome Sequencing Project, indicating it is not a common benignvariant in these populations. It is a semi-conservative amino acid substitution, which may impact secondaryprotein structure as these residues differ in some properties. This substitution occurs at a position that isconserved across species. In silico analysis predicts this variant is probably damaging to the proteinstructure/function. Missense variants at the same residue (A573D) and in nearby residues (R567P, G572D,G579R/V, and H580P) have been reported in the Human Gene Mutation Database in association withhypophosphataemic rickets (Stenson et al., 2014), supporting the functional importance of this region of theprotein. Therefore, the A573P variant is interpreted as pathogenic.